The following is an entry in ClinVar:

NM_015102.5(NPHP4):c.403A>C (p.Ile135Leu)

Gene: NPHP4 (nephrocystin 4; minus strand). Cytogenetic location: 1p36.31.
Variant type: single nucleotide variant.
Coding change: c.403A>C on transcript NM_015102.5 (MANE Select); coding-DNA position 403, A replaced by C.
Protein change: p.Ile135Leu; replaces isoleucine 135 with leucine.
Molecular consequence: missense variant. On other transcripts: 5 prime UTR variant (2), non-coding transcript variant (1).
Genome position (GRCh38, 1-based): chr1:5,969,136, T>G on the plus strand (A>C on the coding strand, the complement: NPHP4 is on the minus strand). VCF-style: chr1-5969136-T-G. GRCh37 (hg19) VCF-style: chr1-6029196-T-G.
Other names: c.-827A>C (NM_001291593.2); c.-964A>C (NM_001291594.2); short protein forms I135L.
Identifiers: ClinVar variation 4987359 (VCV004987359.1).
Genomic context (GRCh38, chr1:5,969,136, plus strand): 5'-AAGGCAGGTACCTTTTGTCCTGGGAAGCAGAGATAGGAGAGTCCGGCTGGTTGCTGAAGA[T>G]CCGAAGAATTCCAAACCCACAGGACAATGTCTGGAGGCTCCCATCCCGTTTCTTGCCCTC-3'
Protein context (NP_055917.1, residues 125-145): TLSCGFGILR[Ile135Leu]FSNQPDSPIS

ClinVar aggregate classification (germline): Uncertain significance (1 of 4 stars; one submission).

Conditions:
NPHP4-related disorder. Also called: NPHP4-related condition; NPHP4-related disorders. Identifiers: MedGen CN239384.

gnomAD v4.1: 4 of 1,551,400 alleles (0.00026%); highest among the groups gnomAD compares: Non-Finnish European, 0.00026%; no homozygotes.

Submission:

PreventionGenetics, part of Exact Sciences
Classification: Uncertain significance for NPHP4-related condition. Last evaluated: 2025-09-24. Review status: criteria provided, single submitter. Criteria: ACMG Guidelines, 2015. Collection method: clinical testing. Allele origin: germline.
Comment: The NPHP4 c.403A>C variant is predicted to result in the amino acid substitution p.Ile135Leu. To our knowledge, this variant has not been reported in the literature. This variant is reported in 0.0065% of alleles in individuals of European (Non-Finnish) descent in gnomAD. At this time, the clinical significance of this variant is uncertain due to the absence of conclusive functional and genetic evidence.